The following is an entry in ClinVar:

NM_013447.4(ADGRE2):c.1381C>T (p.Leu461Phe)

Gene: ADGRE2 (adhesion G protein-coupled receptor E2; minus strand). Cytogenetic location: 19p13.12.
Variant type: single nucleotide variant.
Coding change: c.1381C>T on transcript NM_013447.4 (MANE Select); coding-DNA position 1381, C replaced by T.
Protein change: p.Leu461Phe; replaces leucine 461 with phenylalanine.
Molecular consequence: missense variant.
Genome position (GRCh38, 1-based): chr19:14,755,689, G>A on the plus strand (C>T on the coding strand, the complement: ADGRE2 is on the minus strand). VCF-style: chr19-14755689-G-A. GRCh37 (hg19) VCF-style: chr19-14866501-G-A.
Other names: c.1381C>T, p.Leu461Phe (NM_001271052.1); c.1234C>T, p.Leu412Phe (NM_152916.2); c.1102C>T, p.Leu368Phe (NM_152917.2); short protein forms L368F, L412F, L461F.
Identifiers: ClinVar variation 2800307 (VCV002800307.3), dbSNP rs2513096542, ClinGen allele CA404455224.
Genomic context (GRCh38, chr19:14,755,689, plus strand): 5'-ACCAACCAACTCCACCAGCACTCACACGGTGGGAGAAGGTGAAGGTAACTGGGGAGCTGA[G>A]GTTTTGGGTGTCGTTGTTGCTCAGAAAGGCAGAGATCACATCTGAGAGCAGGATGGGGGA-3'
Protein context (NP_038475.2, residues 451-471): AFLSNNDTQN[Leu461Phe]SSPVTFTFSH

ClinVar aggregate classification (germline): Uncertain significance (1 of 4 stars; one submission).

Submission:

Labcorp Genetics (formerly Invitae), Labcorp
Classification: Uncertain significance. Last evaluated: 2023-12-30. Review status: criteria provided, single submitter. Criteria: Invitae Variant Classification Sherloc (09022015). Collection method: clinical testing. Allele origin: germline.
Comment: This sequence change replaces leucine, which is neutral and non-polar, with phenylalanine, which is neutral and non-polar, at codon 461 of the ADGRE2 protein (p.Leu461Phe). This variant is not present in population databases (gnomAD no frequency). This variant has not been reported in the literature in individuals affected with ADGRE2-related conditions. An algorithm developed to predict the effect of missense changes on protein structure and function (PolyPhen-2) suggests that this variant is likely to be disruptive. In summary, the available evidence is currently insufficient to determine the role of this variant in disease. Therefore, it has been classified as a Variant of Uncertain Significance.